The following is an entry in ClinVar:

NM_000052.7(ATP7A):c.2635A>T (p.Met879Leu)

Gene: ATP7A (ATPase copper transporting alpha; plus strand). Cytogenetic location: Xq21.1.
Variant type: single nucleotide variant.
Coding change: c.2635A>T on transcript NM_000052.7 (MANE Select); coding-DNA position 2635, A replaced by T.
Protein change: p.Met879Leu; replaces methionine 879 with leucine.
Molecular consequence: missense variant.
Genome position (GRCh38, 1-based): chrX:78,020,252, A>T. VCF-style: chrX-78020252-A-T. GRCh37 (hg19) VCF-style: chrX-77275749-A-T.
Other names: c.2401A>T, p.Met801Leu (NM_001282224.2); short protein forms M801L, M879L.
Identifiers: ClinVar variation 2147359 (VCV002147359.4), dbSNP rs2077895767, ClinGen allele CA413602354.

ClinVar aggregate classification (germline): Uncertain significance (1 of 4 stars; one submission).

Conditions:
Menkes kinky-hair syndrome (MNK). Also called: Copper transport disease; Menkes Disease; Classic Menkes Disease. Identifiers: Orphanet 565, MedGen C0022716, MONDO:0010651, OMIM 309400.
Cutis laxa, X-linked (OHS). Also called: EDS IX; Occipital horn syndrome. Identifiers: Orphanet 198, MedGen C0268353, MONDO:0010572, OMIM 304150.
X-linked distal spinal muscular atrophy type 3. Also called: SPINAL MUSCULAR ATROPHY, DISTAL, X-LINKED RECESSIVE; NEURONOPATHY, DISTAL HEREDITARY MOTOR, X-LINKED; NEUROPATHY, DISTAL HEREDITARY MOTOR, X-LINKED; ATP7A-Related Distal Motor Neuropathy. Identifiers: Orphanet 139557, MedGen C1845359, MONDO:0010338, OMIM 300489.

Allele frequency attached by ClinVar (database versions not stated): TOPMed below 0.00001.
gnomAD v4.1: 1 of 1,211,525 alleles (0.000083%); highest among the groups gnomAD compares: Admixed American, 0.0022%; no homozygotes.

Submission:

Labcorp Genetics (formerly Invitae), Labcorp
Classification: Uncertain significance for X-linked distal spinal muscular atrophy type 3; Cutis laxa, X-linked; Menkes kinky-hair syndrome. Last evaluated: 2025-09-10. Review status: criteria provided, single submitter. Criteria: Invitae Variant Classification Sherloc (09022015). Collection method: clinical testing. Allele origin: germline.
Comment: This sequence change replaces methionine, which is neutral and non-polar, with leucine, which is neutral and non-polar, at codon 879 of the ATP7A protein (p.Met879Leu). This variant is not present in population databases (gnomAD no frequency). This variant has not been reported in the literature in individuals affected with ATP7A-related conditions. ClinVar contains an entry for this variant (Variation ID: 2147359). Invitae Evidence Modeling of protein sequence and biophysical properties (such as structural, functional, and spatial information, amino acid conservation, physicochemical variation, residue mobility, and thermodynamic stability) indicates that this missense variant is not expected to disrupt ATP7A protein function with a negative predictive value of 95%. In summary, the available evidence is currently insufficient to determine the role of this variant in disease. Therefore, it has been classified as a Variant of Uncertain Significance.